The following is an entry in ClinVar:

ClinVar aggregate classification (germline): Pathogenic. Review status: criteria provided, multiple submitters, no conflicts (2 of 4 stars). 4 submissions from 4 submitters: Pathogenic (4). Last evaluated 2026-04-14.

Conditions:
Progressive familial intrahepatic cholestasis type 2. Identifiers: Orphanet 79304, MedGen C3489789, MONDO:0011156, OMIM 601847.
Familial intrahepatic cholestasis. Identifiers: Orphanet 284385, MedGen CN296401, MONDO:0017290.
Benign recurrent intrahepatic cholestasis type 2 (BRIC2). Also called: Recurrent familial intrahepatic cholestasis 2. Identifiers: Orphanet 65682, Orphanet 99961, MedGen C2608083, MONDO:0011559, OMIM 605479.

Allele frequency attached by ClinVar (database versions not stated): TOPMed below 0.00001.

Submissions (4):

Genomenon, Inc
Classification: Pathogenic for Familial intrahepatic cholestasis. Last evaluated: 2026-04-14. Review status: criteria provided, single submitter. Criteria: Genomenon Sequence Variant Interpretation Standards - Updated. Collection method: curation. Allele origin: germline. Affected: yes.
Comment: ABCB11 p.Glu1302Ter (c.3904G>T) is a nonsense variant that introduces a premature stop codon at amino acid position 1302, creating a truncated protein. This variant has been observed in at least one proband with an ABCB11-related disorder (PMID:41165782;39634245;35780807;34828443;34961929;32087350;31015375;18395098;26858187). The variant was found to segregate with disease in at least one affected family (PMID:34961929). It has been observed in trans with a pathogenic or likely pathogenic variant (PMID:31015375). It is absent or not present at a significant frequency in gnomAD. In conclusion, we classify ABCB11 p.Glu1302Ter (c.3904G>T) as a pathogenic variant.

Natera, Inc.
Classification: Pathogenic for Progressive familial intrahepatic cholestasis type 2. Last evaluated: 2024-10-07. Review status: criteria provided, single submitter. Criteria: Natera Variant Classification Schema (03/2026). Collection method: clinical testing. Allele origin: germline.
Comment: The c.3904G>T variant in ABCB11 is a nonsense variant predicted to introduce a stop codon at amino acid 1302. This variant may result in a truncated or dysfunctional protein product. This variant is rare in the general population with a frequency below the threshold expected for the associated phenotype(s). This variant has been observed in one or more individuals affected with the associated recessive disease, as either homozygous or compound heterozygous with a second variant (PMID: 34961929, 34828443, 32087350, 18395098). Given the available evidence, this variant is classified as Pathogenic.

Fulgent Genetics
Classification: Pathogenic for Progressive familial intrahepatic cholestasis type 2; Benign recurrent intrahepatic cholestasis type 2. Last evaluated: 2024-02-17. Review status: criteria provided, single submitter. Criteria: ACMG Guidelines, 2015. Collection method: clinical testing. Allele origin: germline.

Labcorp Genetics (formerly Invitae), Labcorp
Classification: Pathogenic. Last evaluated: 2021-07-28. Review status: criteria provided, single submitter. Criteria: Invitae Variant Classification Sherloc (09022015). Collection method: clinical testing. Allele origin: germline.
Comment: For these reasons, this variant has been classified as Pathogenic. This premature translational stop signal has been observed in individual(s) with ABCB11-related conditions and/or progressive familial intrahepatic cholestasis (PMID: 18395098, 31015375). In at least one individual the data is consistent with the variant being in trans (on the opposite chromosome) from a pathogenic variant. This variant is not present in population databases (ExAC no frequency). This sequence change creates a premature translational stop signal (p.Glu1302*) in the ABCB11 gene. While this is not anticipated to result in nonsense mediated decay, it is expected to disrupt the last 20 amino acid(s) of the ABCB11 protein.

Literature cited by the submitters: PubMed 41165782 (cited by Genomenon, Inc); PubMed 39634245 (cited by Genomenon, Inc); PubMed 35780807 (cited by Genomenon, Inc); PubMed 34828443 (cited by Genomenon, Inc and Natera, Inc.); PubMed 34961929 (cited by Genomenon, Inc and Natera, Inc.); PubMed 32087350 (cited by Genomenon, Inc and Natera, Inc.); PubMed 31015375 (cited by Genomenon, Inc and Labcorp Genetics (formerly Invitae), Labcorp); PubMed 18395098 (cited by 3 submitters); PubMed 26858187 (cited by Genomenon, Inc).

NM_003742.4(ABCB11):c.3904G>T (p.Glu1302Ter)

Gene: ABCB11 (ATP binding cassette subfamily B member 11; minus strand). Cytogenetic location: 2q31.1.
Variant type: single nucleotide variant.
Coding change: c.3904G>T on transcript NM_003742.4 (MANE Select); coding-DNA position 3904, G replaced by T.
Protein change: p.Glu1302Ter; replaces glutamic acid 1302 with a stop codon.
Molecular consequence: nonsense.
Genome position (GRCh38, 1-based): chr2:168,923,684, C>A on the plus strand (G>T on the coding strand, the complement: ABCB11 is on the minus strand). VCF-style: chr2-168923684-C-A. GRCh37 (hg19) VCF-style: chr2-169780194-C-A.
Other names: short protein forms E1302*.
Identifiers: ClinVar variation 1453316 (VCV001453316.9), dbSNP rs1691171678, ClinGen allele CA349116925.